The following is an entry in ClinVar:

NM_001370595.2(COA8):c.91G>C (p.Gly31Arg)

Gene: COA8 (cytochrome c oxidase assembly factor 8; plus strand). Cytogenetic location: 14q32.33.
Variant type: single nucleotide variant.
Coding change: c.91G>C on transcript NM_001370595.2 (MANE Select); coding-DNA position 91, G replaced by C.
Protein change: p.Gly31Arg; replaces glycine 31 with arginine.
Molecular consequence: missense variant. On other transcripts: non-coding transcript variant (2).
Genome position (GRCh38, 1-based): chr14:103,563,092, G>C. VCF-style: chr14-103563092-G-C. GRCh37 (hg19) VCF-style: chr14-104029429-G-C.
Other names: c.130G>C (NM_032374.3); c.91G>C, p.Gly31Arg (NM_001302653.2, NM_001302654.2); short protein forms G31R.
Identifiers: ClinVar variation 2523113 (VCV002523113.5), dbSNP rs752008808, ClinGen allele CA7365411.

ClinVar aggregate classification (germline): Uncertain significance. Review status: criteria provided, multiple submitters, no conflicts (2 of 4 stars). 2 submissions from 2 submitters: Uncertain significance (2). Last evaluated 2025-09-11.

Conditions:
Inborn genetic diseases. Identifiers: MedGen C0950123, MeSH D030342.

Allele frequency attached by ClinVar (database versions not stated): gnomAD 0.00005; TOPMed 0.00007; ExAC 0.00015.
gnomAD v4.1: 234 of 1,539,506 alleles (0.015%); highest among the groups gnomAD compares: Non-Finnish European, 0.02%; no homozygotes.

Submissions (2):

Labcorp Genetics (formerly Invitae), Labcorp
Classification: Uncertain significance. Last evaluated: 2025-09-11. Review status: criteria provided, single submitter. Criteria: Invitae Variant Classification Sherloc (09022015). Collection method: clinical testing. Allele origin: germline.
Comment: This sequence change replaces glycine, which is neutral and non-polar, with arginine, which is basic and polar, at codon 44 of the APOPT1 protein (p.Gly44Arg). This variant is present in population databases (rs752008808, gnomAD 0.02%). This variant has not been reported in the literature in individuals affected with APOPT1-related conditions. ClinVar contains an entry for this variant (Variation ID: 2523113). An algorithm developed to predict the effect of missense changes on protein structure and function (PolyPhen-2) suggests that this variant is likely to be tolerated. In summary, the available evidence is currently insufficient to determine the role of this variant in disease. Therefore, it has been classified as a Variant of Uncertain Significance.

Ambry Genetics
Classification: Uncertain significance for Inborn genetic diseases. Last evaluated: 2023-04-11. Review status: criteria provided, single submitter. Criteria: Ambry Variant Classification Scheme 2023. Collection method: clinical testing. Allele origin: germline.